The following is an entry in ClinVar:

NM_005751.5(AKAP9):c.1643G>A (p.Arg548Lys)

Gene: AKAP9 (A-kinase anchoring protein 9; plus strand). Cytogenetic location: 7q21.2.
Variant type: single nucleotide variant.
Coding change: c.1643G>A on transcript NM_005751.5 (MANE Select); coding-DNA position 1643, G replaced by A.
Protein change: p.Arg548Lys; replaces arginine 548 with lysine.
Molecular consequence: missense variant.
Genome position (GRCh38, 1-based): chr7:92,001,560, G>A. VCF-style: chr7-92001560-G-A. GRCh37 (hg19) VCF-style: chr7-91630874-G-A.
Other names: c.1643G>A, p.Arg548Lys (NM_147185.3); short protein forms R548K.
Identifiers: ClinVar variation 1389311 (VCV001389311.8), dbSNP rs1299207595, ClinGen allele CA368122257.

ClinVar aggregate classification (germline): Uncertain significance (1 of 4 stars; one submission).

Conditions:
Long QT syndrome (LQTS). Identifiers: MedGen C0023976, MeSH D008133, MONDO:0002442. Disease mechanism: loss of function. Inheritance: Various modes of inheritance.

Allele frequency attached by ClinVar (database versions not stated): gnomAD exomes below 0.00001; TOPMed below 0.00001; gnomAD 0.00001.
gnomAD v4.1: 3 of 1,613,746 alleles (0.00019%); highest among the groups gnomAD compares: Middle Eastern, 0.016%; no homozygotes.

Submission:

Labcorp Genetics (formerly Invitae), Labcorp
Classification: Uncertain significance for Long QT syndrome. Last evaluated: 2024-11-07. Review status: criteria provided, single submitter. Criteria: Invitae Variant Classification Sherloc (09022015). Collection method: clinical testing. Allele origin: germline.
Comment: This sequence change replaces arginine, which is basic and polar, with lysine, which is basic and polar, at codon 548 of the AKAP9 protein (p.Arg548Lys). This variant is not present in population databases (gnomAD no frequency). This variant has not been reported in the literature in individuals affected with AKAP9-related conditions. ClinVar contains an entry for this variant (Variation ID: 1389311). An algorithm developed to predict the effect of missense changes on protein structure and function (PolyPhen-2) suggests that this variant is likely to be disruptive. In summary, the available evidence is currently insufficient to determine the role of this variant in disease. Therefore, it has been classified as a Variant of Uncertain Significance.